The following is an entry in ClinVar:

NM_014946.4(SPAST):c.807C>G (p.Tyr269Ter)

Gene: SPAST (spastin; plus strand). Cytogenetic location: 2p22.3.
Variant type: single nucleotide variant.
Coding change: c.807C>G on transcript NM_014946.4 (MANE Select); coding-DNA position 807, C replaced by G.
Protein change: p.Tyr269Ter; replaces tyrosine 269 with a stop codon.
Molecular consequence: nonsense.
Genome position (GRCh38, 1-based): chr2:32,114,762, C>G. VCF-style: chr2-32114762-C-G. GRCh37 (hg19) VCF-style: chr2-32339831-C-G.
Other names: c.804C>G, p.Tyr268Ter (NM_001363823.2); c.708C>G, p.Tyr236Ter (NM_001363875.2); c.711C>G, p.Tyr237Ter (NM_001377959.1, NM_199436.2); short protein forms Y236*, Y237*, Y268*, Y269*.
Identifiers: ClinVar variation 989094 (VCV000989094.4), dbSNP rs771388402, ClinGen allele CA346498685.

ClinVar aggregate classification (germline): Pathogenic/Likely pathogenic. Review status: criteria provided, multiple submitters, no conflicts (2 of 4 stars). 3 submissions from 3 submitters: Pathogenic (2); Likely pathogenic (1). Last evaluated 2024-07-16.

Conditions:
Hereditary spastic paraplegia 4. Also called: Spastic paraplegia 4, autosomal dominant; Spastic Paraplegia 4; Familial spastic paraplegia autosomal dominant 2. Identifiers: Orphanet 100985, MedGen C1866855, MONDO:0008438, OMIM 182601.
SPAST-related disorder. Also called: SPAST-related condition.

Submissions (3):

Labcorp Genetics (formerly Invitae), Labcorp
Classification: Pathogenic for Hereditary spastic paraplegia 4. Last evaluated: 2024-07-16. Review status: criteria provided, single submitter. Criteria: Invitae Variant Classification Sherloc (09022015). Collection method: clinical testing. Allele origin: germline.
Comment: This sequence change creates a premature translational stop signal (p.Tyr269*) in the SPAST gene. It is expected to result in an absent or disrupted protein product. Loss-of-function variants in SPAST are known to be pathogenic (PMID: 20932283). This variant is not present in population databases (gnomAD no frequency). This premature translational stop signal has been observed in individual(s) with hereditary spastic paraplegia (PMID: 10699187, 18664244). ClinVar contains an entry for this variant (Variation ID: 989094). Algorithms developed to predict the effect of sequence changes on RNA splicing suggest that this variant may disrupt the consensus splice site. For these reasons, this variant has been classified as Pathogenic.

Blueprint Genetics
Classification: Likely pathogenic for SPAST-related disorders. Last evaluated: 2017-12-28. Review status: criteria provided, single submitter. Criteria: ACMG Guidelines, 2015. Collection method: clinical testing. Allele origin: germline. Affected: yes. Observed: 1 variant allele.

Paris Brain Institute, Inserm - ICM
Classification: Pathogenic for Hereditary spastic paraplegia 4. Review status: criteria provided, single submitter. Criteria: ACMG Guidelines, 2015. Collection method: clinical testing. Allele origin: unknown. Affected: yes. Observed: 2 variant alleles.

Literature cited by the submitters: PubMed 20932283 (cited by Labcorp Genetics (formerly Invitae), Labcorp); PubMed 10699187 (cited by Labcorp Genetics (formerly Invitae), Labcorp); PubMed 18664244 (cited by Labcorp Genetics (formerly Invitae), Labcorp).